The following is an entry in ClinVar:

ClinVar aggregate classification (germline): Uncertain significance (1 of 4 stars; one submission).

Conditions:
Early-infantile DEE. Also called: Early infantile epileptic encephalopathy; Early infantile epileptic encephalopathy with suppression bursts; Ohtahara syndrome. Identifiers: Orphanet 1934, MedGen C0393706, MONDO:0800491.

Allele frequency attached by ClinVar (database versions not stated): TOPMed 0.00004; gnomAD 0.00001; gnomAD exomes below 0.00001.

Submission:

Labcorp Genetics (formerly Invitae), Labcorp
Classification: Uncertain significance for Early-infantile DEE. Last evaluated: 2023-12-30. Review status: criteria provided, single submitter. Criteria: Invitae Variant Classification Sherloc (09022015). Collection method: clinical testing. Allele origin: germline.
Comment: This sequence change replaces methionine, which is neutral and non-polar, with valine, which is neutral and non-polar, at codon 1617 of the SPTAN1 protein (p.Met1617Val). This variant is present in population databases (no rsID available, gnomAD 0.007%). This variant has not been reported in the literature in individuals affected with SPTAN1-related conditions. Algorithms developed to predict the effect of missense changes on protein structure and function output the following: SIFT: "Not Available"; PolyPhen-2: "Benign"; Align-GVGD: "Not Available". The valine amino acid residue is found in multiple mammalian species, which suggests that this missense change does not adversely affect protein function. In summary, the available evidence is currently insufficient to determine the role of this variant in disease. Therefore, it has been classified as a Variant of Uncertain Significance.

NM_001130438.3(SPTAN1):c.4849A>G (p.Met1617Val)

Gene: SPTAN1 (spectrin alpha, non-erythrocytic 1; plus strand). Cytogenetic location: 9q34.11.
Variant type: single nucleotide variant.
Coding change: c.4849A>G on transcript NM_001130438.3 (MANE Select); coding-DNA position 4849, A replaced by G.
Protein change: p.Met1617Val; replaces methionine 1617 with valine.
Molecular consequence: missense variant.
Genome position (GRCh38, 1-based): chr9:128,611,789, A>G. VCF-style: chr9-128611789-A-G. GRCh37 (hg19) VCF-style: chr9-131374068-A-G.
Other names: c.4774A>G, p.Met1592Val (NM_001195532.2); c.4849A>G, p.Met1617Val (NM_001363759.2, NM_001375310.1, NM_001375311.2 and 1 more transcripts); c.4789A>G, p.Met1597Val (NM_001363765.2, NM_001375314.2); c.4885A>G, p.Met1629Val (NM_001375312.2, NM_001375318.1); c.4834A>G, p.Met1612Val (NM_003127.4); short protein forms M1592V, M1629V, M1617V, M1597V, M1612V.
Identifiers: ClinVar variation 2792647 (VCV002792647.3), dbSNP rs972659810, ClinGen allele CA200399724.